The following is an entry in ClinVar:

ClinVar aggregate classification (germline): Uncertain significance. Review status: criteria provided, multiple submitters, no conflicts (2 of 4 stars). 2 submissions from 2 submitters: Uncertain significance (2). Last evaluated 2025-09-10.

Conditions:
Inborn genetic diseases. Identifiers: MedGen C0950123, MeSH D030342.

Allele frequency attached by ClinVar (database versions not stated): ExAC 0.00001; gnomAD exomes below 0.00001.
gnomAD v4.1: 4 of 1,614,042 alleles (0.00025%); highest among the groups gnomAD compares: East Asian, 0.0089%; no homozygotes.

Submissions (2):

Labcorp Genetics (formerly Invitae), Labcorp
Classification: Uncertain significance. Last evaluated: 2025-09-10. Review status: criteria provided, single submitter. Criteria: Invitae Variant Classification Sherloc (09022015). Collection method: clinical testing. Allele origin: germline.
Comment: This sequence change replaces lysine, which is basic and polar, with glutamic acid, which is acidic and polar, at codon 78 of the MECOM protein (p.Lys78Glu). This variant is present in population databases (rs754636380, gnomAD 0.01%). This variant has not been reported in the literature in individuals affected with MECOM-related conditions. ClinVar contains an entry for this variant (Variation ID: 2053086). An algorithm developed to predict the effect of missense changes on protein structure and function (PolyPhen-2) suggests that this variant is likely to be disruptive. In summary, the available evidence is currently insufficient to determine the role of this variant in disease. Therefore, it has been classified as a Variant of Uncertain Significance.

Ambry Genetics
Classification: Uncertain significance for Inborn genetic diseases. Last evaluated: 2025-03-26. Review status: criteria provided, single submitter. Criteria: Ambry Variant Classification Scheme 2023. Collection method: clinical testing. Allele origin: germline.
Comment: The p.K266E variant (also known as c.796A>G), located in coding exon 5 of the MECOM gene, results from an A to G substitution at nucleotide position 796. The lysine at codon 266 is replaced by glutamic acid, an amino acid with similar properties. This amino acid position is conserved. In addition, this alteration is predicted to be tolerated by in silico analysis. Based on the available evidence, the clinical significance of this variant remains unclear.

NM_004991.4(MECOM):c.796A>G (p.Lys266Glu)

Gene: MECOM (MDS1 and EVI1 complex locus; minus strand). Cytogenetic location: 3q26.2.
Variant type: single nucleotide variant.
Coding change: c.796A>G on transcript NM_004991.4 (MANE Select); coding-DNA position 796, A replaced by G.
Protein change: p.Lys266Glu; replaces lysine 266 with glutamic acid.
Molecular consequence: missense variant.
Genome position (GRCh38, 1-based): chr3:169,127,878, T>C on the plus strand (A>G on the coding strand, the complement: MECOM is on the minus strand). VCF-style: chr3-169127878-T-C. GRCh37 (hg19) VCF-style: chr3-168845666-T-C.
Other names: c.424A>G, p.Lys142Glu (NM_001105077.4); c.232A>G, p.Lys78Glu (NM_001105078.4, NM_001163999.2, NM_001164000.2 and 9 more transcripts); c.796A>G, p.Lys266Glu (NM_001366466.2, NM_001366473.2); c.796A>G (NM_004991.3); short protein forms K266E, K78E, K142E.
Identifiers: ClinVar variation 2053086 (VCV002053086.5), dbSNP rs754636380, ClinGen allele CA2696470.